The following is an entry in ClinVar:

NM_019112.4(ABCA7):c.563A>G (p.Glu188Gly)

Gene: ABCA7 (ATP binding cassette subfamily A member 7; plus strand). Cytogenetic location: 19p13.3.
Variant type: single nucleotide variant.
Coding change: c.563A>G on transcript NM_019112.4 (MANE Select); coding-DNA position 563, A replaced by G.
Protein change: p.Glu188Gly; replaces glutamic acid 188 with glycine.
Molecular consequence: missense variant.
Genome position (GRCh38, 1-based): chr19:1,042,810, A>G. VCF-style: chr19-1042810-A-G. GRCh37 (hg19) VCF-style: chr19-1042809-A-G.
Other names: short protein forms E188G.
Identifiers: ClinVar variation 1237748 (VCV001237748.4), dbSNP rs3764645, ClinGen allele CA9032674.

ClinVar aggregate classification (germline): Benign. Review status: criteria provided, multiple submitters, no conflicts (2 of 4 stars). 2 submissions from 2 submitters: Benign (2). Last evaluated 2019-08-22.

Allele frequency attached by ClinVar (database versions not stated): ESP Exome Variant Server 0.38867; 1000 Genomes Project 0.39956; 1000 Genomes Project 30x 0.40069; gnomAD 0.41149 and 0.41834; TOPMed 0.41739; gnomAD exomes 0.47933 and 0.49648; ExAC 0.48375.

Submissions (2):

GeneDx
Classification: Benign. Last evaluated: 2019-08-22. Review status: criteria provided, single submitter. Criteria: GeneDx Variant Classification Process June 2021. Collection method: clinical testing. Allele origin: germline. Affected: yes.
Comment: This variant is associated with the following publications: (PMID: 31182772, 30917570)

Breakthrough Genomics
Classification: Benign. Review status: criteria provided, single submitter. Criteria: ACMG Guidelines, 2015. Collection method: not provided. Allele origin: germline. Inheritance: Autosomal dominant inheritance. Affected: yes.